The following is an entry in ClinVar:

ClinVar aggregate classification (germline): Likely benign (1 of 4 stars; one submission).

gnomAD v4.1: 6,479 of 1,307,486 alleles (0.5%); highest among the groups gnomAD compares: Admixed American, 0.7%; 31 homozygotes.

Submission:

CeGaT Center for Human Genetics Tuebingen
Classification: Likely benign. Last evaluated: 2026-06-01. Review status: criteria provided, single submitter. Criteria: CeGaT Center For Human Genetics Tuebingen Variant Classification Criteria Version 2. Collection method: clinical testing. Allele origin: germline. Affected: yes. Observed: 8 variant alleles.
Comment: CEP85L: BS2

NM_001178035.2(CEP85L):c.-20T>C

Gene: CEP85L (centrosomal protein 85L; minus strand). Cytogenetic location: 6q22.31.
Variant type: single nucleotide variant.
Coding change: c.-20T>C on transcript NM_001178035.2; 20 bases upstream of the start codon, T replaced by C.
Molecular consequence: 5 prime UTR variant.
Genome position (GRCh38, 1-based): chr6:118,652,801, A>G on the plus strand (T>C on the coding strand, the complement: CEP85L is on the minus strand). VCF-style: chr6-118652801-A-G. GRCh37 (hg19) VCF-style: chr6-118973964-A-G.
Identifiers: ClinVar variation 3770598 (VCV003770598.13).